The following is an entry in ClinVar:

ClinVar aggregate classification (germline): Uncertain significance. Review status: criteria provided, multiple submitters, no conflicts (2 of 4 stars). 2 submissions from 2 submitters: Uncertain significance (2). Last evaluated 2024-05-14.

Conditions:
Cardiomyopathy (CMYO). Also called: Cardiomyopathies. Identifiers: Orphanet 167848, MedGen C0878544, MONDO:0004994, HP:0001638. Inheritance: Various modes of inheritance.
Hypertrophic cardiomyopathy. Also called: HYPERTROPHIC MYOCARDIOPATHY. Identifiers: Orphanet 217569, MedGen C0007194, MeSH D002312, MONDO:0005045, HP:0001639.

Allele frequency attached by ClinVar (database versions not stated): gnomAD exomes below 0.00001.
gnomAD v4.1: 7 of 1,614,066 alleles (0.00043%); highest among the groups gnomAD compares: Non-Finnish European, 0.00059%; no homozygotes.

Submissions (2):

All of Us Research Program, National Institutes of Health
Classification: Uncertain significance for Cardiomyopathy. Last evaluated: 2024-05-14. Review status: criteria provided, single submitter. Criteria: ACMG Guidelines, 2015. Collection method: clinical testing. Allele origin: germline. Inheritance: Autosomal dominant inheritance. Observed: 2 variant alleles, 2 heterozygotes.
Comment: This variant causes a C to T nucleotide substitution at the -3 position of intron 28 of the MYH7 gene. To our knowledge, RNA studies have not been reported for this variant. This variant has not been reported in individuals affected with MYH7-related disorders in the literature. This variant has been identified in 1/251478 chromosomes in the general population by the Genome Aggregation Database (gnomAD). The available evidence is insufficient to determine the role of this variant in disease conclusively. Therefore, this variant is classified as a Variant of Uncertain Significance.

This study involves interpretation of variants in research participants for the purpose of population health screening. Participant phenotype was not available at the time of variant classification. Additional details can be found in publication PMID: 35346344, PMCID: PMC8962531

Labcorp Genetics (formerly Invitae), Labcorp
Classification: Uncertain significance for Hypertrophic cardiomyopathy. Last evaluated: 2021-10-21. Review status: criteria provided, single submitter. Criteria: Invitae Variant Classification Sherloc (09022015). Collection method: clinical testing. Allele origin: germline.
Comment: In summary, the available evidence is currently insufficient to determine the role of this variant in disease. Therefore, it has been classified as a Variant of Uncertain Significance. Variants that disrupt the consensus splice site are a relatively common cause of aberrant splicing (PMID: 17576681, 9536098). Algorithms developed to predict the effect of sequence changes on RNA splicing suggest that this variant is not likely to affect RNA splicing. This variant has not been reported in the literature in individuals affected with MYH7-related conditions. This variant is not present in population databases (ExAC no frequency). This sequence change falls in intron 28 of the MYH7 gene. It does not directly change the encoded amino acid sequence of the MYH7 protein. It affects a nucleotide within the consensus splice site.

Literature cited by the submitters: PubMed 17576681 (cited by Labcorp Genetics (formerly Invitae), Labcorp); PubMed 9536098 (cited by Labcorp Genetics (formerly Invitae), Labcorp).

NM_000257.4(MYH7):c.3854-3C>T

Gene: MYH7 (myosin heavy chain 7; minus strand). Cytogenetic location: 14q11.2.
Variant type: single nucleotide variant.
Coding change: c.3854-3C>T on transcript NM_000257.4 (MANE Select); 3 bases into the intron before coding-DNA position 3854, C replaced by T.
Molecular consequence: intron variant.
Genome position (GRCh38, 1-based): chr14:23,419,298, G>A on the plus strand (C>T on the coding strand, the complement: MYH7 is on the minus strand). VCF-style: chr14-23419298-G-A. GRCh37 (hg19) VCF-style: chr14-23888507-G-A.
Identifiers: ClinVar variation 1477430 (VCV001477430.5), dbSNP rs111467750, ClinGen allele CA613318035.